The following is an entry in ClinVar:

ClinVar aggregate classification (germline): Uncertain significance (1 of 4 stars; one submission).

Conditions:
HSD17B10-related disorder. Also called: HSD17B10-related condition.

Submission:

PreventionGenetics, part of Exact Sciences
Classification: Uncertain significance for HSD17B10-related condition. Last evaluated: 2026-08-02. Review status: criteria provided, single submitter. Criteria: ACMG Guidelines, 2015. Collection method: clinical testing. Allele origin: germline.
Comment: The HSD17B10 c.688C>G variant is predicted to result in the amino acid substitution p.Pro230Ala. To our knowledge, this variant has not been reported in the literature or in a large population database (gnomAD), indicating this variant is rare. At this time, the clinical significance of this variant is uncertain due to the absence of conclusive functional and genetic evidence.

NM_004493.3(HSD17B10):c.688C>G (p.Pro230Ala)

Gene: HSD17B10 (hydroxysteroid 17-beta dehydrogenase 10; minus strand). Cytogenetic location: Xp11.22.
Variant type: single nucleotide variant.
Coding change: c.688C>G on transcript NM_004493.3 (MANE Select); coding-DNA position 688, C replaced by G.
Protein change: p.Pro230Ala; replaces proline 230 with alanine.
Molecular consequence: missense variant.
Genome position (GRCh38, 1-based): chrX:53,431,502, G>C on the plus strand (C>G on the coding strand, the complement: HSD17B10 is on the minus strand). VCF-style: chrX-53431502-G-C. GRCh37 (hg19) VCF-style: chrX-53458450-G-C.
Other names: c.661C>G, p.Pro221Ala (NM_001037811.2); short protein forms P230A, P221A.
Identifiers: ClinVar variation 4993630 (VCV004993630.1).